The following is an entry in ClinVar:

ClinVar aggregate classification (germline): Likely pathogenic (1 of 4 stars; one submission).

Conditions:
Congenital contractural arachnodactyly (CCA). Also called: Arthrogryposis, distal, type 9; BEALS SYNDROME; Beals-Hecht syndrome. Identifiers: Orphanet 115, MedGen C0220668, MONDO:0007363, OMIM 121050.

Submission:

3billion
Classification: Likely pathogenic for Congenital contractural arachnodactyly. Last evaluated: 2023-09-14. Review status: criteria provided, single submitter. Criteria: ACMG Guidelines, 2015. Collection method: clinical testing. Allele origin: germline. Affected: yes.
Comment: The variant is not observed in the gnomAD v2.1.1 dataset. Predicted Consequence/Location: The variant is located in a mutational hot spot and/or well-established functional domain in which established pathogenic variants have been reported (PMID: 35360850, 17345643). In silico tool predictions suggest damaging effect of the variant on gene or gene product [REVEL: 0.98 (>=0.6, sensitivity 0.68 and specificity 0.92); 3Cnet: 0.86 (>=0.6, sensitivity 0.72 and precision 0.9)]. Different missense changes at the same codon (p.Cys1142Arg, p.Cys1142Gly, p.Cys1142Phe, p.Cys1142Trp, p.Cys1142Tyr) have been reported as pathogenic/likely pathogenic with strong evidence (ClinVar ID: VCV000000526, VCV000989339, VCV001675083, VCV002506364 /PMID: 10797416, 18767143, 19006240, 31316167). Therefore, this variant is classified as Likely pathogenic according to the recommendation of ACMG/AMP guideline.

Literature cited by the submitters: PubMed 35360850; PubMed 10797416.

NM_001999.4(FBN2):c.3425G>C (p.Cys1142Ser)

Gene: FBN2 (fibrillin 2; minus strand). Cytogenetic location: 5q23.3.
Variant type: single nucleotide variant.
Coding change: c.3425G>C on transcript NM_001999.4 (MANE Select); coding-DNA position 3425, G replaced by C.
Protein change: p.Cys1142Ser; replaces cysteine 1142 with serine.
Molecular consequence: missense variant.
Genome position (GRCh38, 1-based): chr5:128,338,980, C>G on the plus strand (G>C on the coding strand, the complement: FBN2 is on the minus strand). VCF-style: chr5-128338980-C-G. GRCh37 (hg19) VCF-style: chr5-127674672-C-G.
Other names: short protein forms C1142S.
Identifiers: ClinVar variation 3775501 (VCV003775501.1).